The following is an entry in ClinVar:

NM_203446.3(SYNJ1):c.3610G>A (p.Val1204Ile)

Gene: SYNJ1 (synaptojanin 1; minus strand). Cytogenetic location: 21q22.11.
Variant type: single nucleotide variant.
Coding change: c.3610G>A on transcript NM_203446.3 (MANE Select); coding-DNA position 3610, G replaced by A.
Protein change: p.Val1204Ile; replaces valine 1204 with isoleucine.
Molecular consequence: missense variant.
Genome position (GRCh38, 1-based): chr21:32,639,758, C>T on the plus strand (G>A on the coding strand, the complement: SYNJ1 is on the minus strand). VCF-style: chr21-32639758-C-T. GRCh37 (hg19) VCF-style: chr21-34012068-C-T.
Other names: c.3562G>A, p.Val1188Ile (NM_001160302.2); c.3469G>A, p.Val1157Ile (NM_001160306.2); c.3727G>A, p.Val1243Ile (NM_003895.4); short protein forms V1243I, V1157I, V1188I, V1204I.
Identifiers: ClinVar variation 572373 (VCV000572373.9), dbSNP rs1569027714, ClinGen allele CA410087964.
Genomic context (GRCh38, chr21:32,639,758, plus strand): 5'-GGCTTTCAGGAGTCAGTCTTCCAGCAGATGCCCGCGCGTGGCTCTGTGGGGCACTGATAA[C>T]TCCAGCACGAGGAGGAATCGTCTACAGATAGGAAACATAACACTTGAGACATTTACTTAC-3'
Protein context (NP_982271.3, residues 1194-1214): ARPTIPPRAG[Val1204Ile]ISAPQSHARA

ClinVar aggregate classification (germline): Uncertain significance (1 of 4 stars; one submission).

Conditions:
Early-onset Parkinson disease 20. Also called: PARKINSON DISEASE 20, AUTOSOMAL RECESSIVE EARLY-ONSET. Identifiers: Orphanet 391411, MedGen C3809824, MONDO:0014233, OMIM 615530.
Developmental and epileptic encephalopathy, 53. Also called: Epileptic encephalopathy, early infantile, 53. Identifiers: MedGen C4479313, MONDO:0033362, OMIM 617389.

Submission:

Labcorp Genetics (formerly Invitae), Labcorp
Classification: Uncertain significance for Developmental and epileptic encephalopathy, 53; Early-onset Parkinson disease 20. Last evaluated: 2018-01-06. Review status: criteria provided, single submitter. Criteria: Invitae Variant Classification Sherloc (09022015). Collection method: clinical testing. Allele origin: germline.
Comment: This sequence change replaces valine with isoleucine at codon 1243 of the SYNJ1 protein (p.Val1243Ile). The valine residue is moderately conserved and there is a small physicochemical difference between valine and isoleucine. This variant is not present in population databases (ExAC no frequency). This variant has not been reported in the literature in individuals with SYNJ1-related disease. Algorithms developed to predict the effect of missense changes on protein structure and function do not agree on the potential impact of this missense change (SIFT: "Deleterious"; PolyPhen-2: "Benign"; Align-GVGD: "Class C0"). In summary, the available evidence is currently insufficient to determine the role of this variant in disease. Therefore, it has been classified as a Variant of Uncertain Significance.